The following is an entry in ClinVar:

NM_000341.4(SLC3A1):c.686G>A (p.Arg229Gln)

Gene: SLC3A1 (solute carrier family 3 member 1; plus strand). Cytogenetic location: 2p21.
Variant type: single nucleotide variant.
Coding change: c.686G>A on transcript NM_000341.4 (MANE Select); coding-DNA position 686, G replaced by A.
Protein change: p.Arg229Gln; replaces arginine 229 with glutamine.
Molecular consequence: missense variant.
Genome position (GRCh38, 1-based): chr2:44,281,462, G>A. VCF-style: chr2-44281462-G-A. GRCh37 (hg19) VCF-style: chr2-44508601-G-A.
Other names: short protein forms R229Q.
Identifiers: ClinVar variation 2056050 (VCV002056050.2), dbSNP rs138395881, ClinGen allele CA1640216.

ClinVar aggregate classification (germline): Uncertain significance. Review status: criteria provided, multiple submitters, no conflicts (2 of 4 stars). 2 submissions from 2 submitters: Uncertain significance (2). Last evaluated 2024-11-01.

Conditions:
Cystinuria (CSNU). Also called: Cystinuria, non-type I; CYSTINURIA, TYPE I; CYSTINURIA, TYPE II; CYSTINURIA, TYPE III. Identifiers: Orphanet 214, MedGen C0010691, MONDO:0009067, OMIM 220100, HP:0003131.

Allele frequency attached by ClinVar (database versions not stated): gnomAD exomes 0.00004; ESP Exome Variant Server 0.00015; ExAC 0.00016; gnomAD 0.00029; 1000 Genomes Project 30x 0.00031; TOPMed 0.00039; 1000 Genomes Project 0.00040.
gnomAD v4.1: 153 of 1,613,610 alleles (0.0095%); highest among the groups gnomAD compares: East Asian, 0.071%; no homozygotes.

Submissions (2):

Blueprint Genetics
Classification: Uncertain significance. Last evaluated: 2024-11-01. Review status: criteria provided, single submitter. Criteria: ACMG Guidelines, 2015. Collection method: clinical testing. Allele origin: germline.

Labcorp Genetics (formerly Invitae), Labcorp
Classification: Uncertain significance for Cystinuria. Last evaluated: 2022-07-23. Review status: criteria provided, single submitter. Criteria: Invitae Variant Classification Sherloc (09022015). Collection method: clinical testing. Allele origin: germline.
Comment: This sequence change replaces arginine, which is basic and polar, with glutamine, which is neutral and polar, at codon 229 of the SLC3A1 protein (p.Arg229Gln). This variant is present in population databases (rs138395881, gnomAD 0.1%). This variant has not been reported in the literature in individuals affected with SLC3A1-related conditions. Algorithms developed to predict the effect of missense changes on protein structure and function output the following: SIFT: "Tolerated"; PolyPhen-2: "Benign"; Align-GVGD: "Class C0". The glutamine amino acid residue is found in multiple mammalian species, which suggests that this missense change does not adversely affect protein function. In summary, the available evidence is currently insufficient to determine the role of this variant in disease. Therefore, it has been classified as a Variant of Uncertain Significance.